The following is an entry in ClinVar:

NM_020184.4(CNNM4):c.1269C>A (p.Tyr423Ter)

Gene: CNNM4 (cyclin and CBS domain divalent metal cation transport mediator 4; plus strand). Cytogenetic location: 2q11.2.
Variant type: single nucleotide variant.
Coding change: c.1269C>A on transcript NM_020184.4 (MANE Select); coding-DNA position 1269, C replaced by A.
Protein change: p.Tyr423Ter; replaces tyrosine 423 with a stop codon.
Molecular consequence: nonsense.
Genome position (GRCh38, 1-based): chr2:96,762,268, C>A. VCF-style: chr2-96762268-C-A. GRCh37 (hg19) VCF-style: chr2-97428005-C-A.
Other names: short protein forms Y423*.
Identifiers: ClinVar variation 3050112 (VCV003050112.2), dbSNP rs758866379, ClinGen allele CA347717159.

ClinVar aggregate classification (germline): Likely pathogenic (0 of 4 stars; one submission).

Conditions:
CNNM4-related disorder. Also called: CNNM4-related condition.

Submission:

PreventionGenetics, part of Exact Sciences
Classification: Likely pathogenic for CNNM4-related condition. Last evaluated: 2024-01-17. Review status: no assertion criteria provided. Collection method: clinical testing. Allele origin: germline.
Comment: The CNNM4 c.1269C>A variant is predicted to result in premature protein termination (p.Tyr423*). To our knowledge, this variant has not been reported in the literature or in a large population database, indicating this variant is rare. Nonsense variants in CNNM4 are expected to be pathogenic. This variant is interpreted as likely pathogenic.